The following is an entry in ClinVar:

NM_006852.6(TLK2):c.1121+2dup

Gene: TLK2 (tousled like kinase 2; plus strand). Cytogenetic location: 17q23.2.
Variant type: Duplication.
Coding change: c.1121+2dup on transcript NM_006852.6 (MANE Select); the canonical splice donor site of the intron after coding-DNA position 1121, one base duplicated (T; older notation c.1121+2dupT).
Molecular consequence: splice donor variant.
Genome position (GRCh38, 1-based): chr17:62,573,369, T duplicated. VCF-style (leftmost placement, unchanged base first): chr17-62573368-G-GT. GRCh37 (hg19) VCF-style: chr17-60650729-G-GT.
Other names: c.1121+2dup (NM_001375271.1, NM_001375270.1, NM_001284333.3); c.674+2dup (NM_001375273.1, NM_001330418.3); c.1025+2dup (NM_001375272.1, NM_001284363.1); c.836+2dup (NM_001411074.1); c.1163+2dup (NM_001375269.1).
Identifiers: ClinVar variation 3769831 (VCV003769831.1).

ClinVar aggregate classification (germline): Likely pathogenic (1 of 4 stars; one submission).

Submission:

GeneDx
Classification: Likely pathogenic. Last evaluated: 2024-09-12. Review status: criteria provided, single submitter. Criteria: GeneDx Variant Classification Process June 2021. Collection method: clinical testing. Allele origin: germline. Affected: yes.
Comment: Not observed at significant frequency in large population cohorts (gnomAD); Intronic +5 splice site variant in a gene for which loss of function is a known mechanism of disease, and both splice predictors and evolutionary conservation support a deleterious effect, although in the absence of functional evidence the actual effect of this sequence change is unknown.; This variant is associated with the following publications: (PMID: 31981491, 36368308, 35982159)